The following is an entry in ClinVar:

NM_000545.8(HNF1A):c.347C>T (p.Ala116Val)

Gene: HNF1A (HNF1 homeobox A; plus strand). Cytogenetic location: 12q24.31.
Variant type: single nucleotide variant.
Coding change: c.347C>T on transcript NM_000545.8 (MANE Select); coding-DNA position 347, C replaced by T.
Protein change: p.Ala116Val; replaces alanine 116 with valine.
Molecular consequence: missense variant.
Genome position (GRCh38, 1-based): chr12:120,988,853, C>T. VCF-style: chr12-120988853-C-T. GRCh37 (hg19) VCF-style: chr12-121426656-C-T.
Other names: NM_000545.8(HNF1A):c.347C>T; p.Ala116Val; c.347C>T, p.Ala116Val (NM_001306179.2); c.347C>T (NM_000545.5); short protein forms A116V.
Identifiers: ClinVar variation 1700671 (VCV001700671.8), dbSNP rs752886203, ClinGen allele CA6831743.
Genomic context (GRCh38, chr12:120,988,853, plus strand): 5'-CAGCCCTTGCTGAGCAGATCCCGTCCTTGCCCTCTCCCAGGGAGGACCCGTGGCGTGTGG[C>T]GAAGATGGTCAAGTCCTACCTGCAGCAGCACAACATCCCACAGCGGGAGGTGGTCGATAC-3'
Protein context (NP_000536.6, residues 106-126): TLLQEDPWRV[Ala116Val]KMVKSYLQQH

ClinVar aggregate classification (germline): Pathogenic. Review status: reviewed by expert panel (3 of 4 stars). 5 submissions from 5 submitters: Pathogenic (1). 4 of the submissions do not count toward it. Last evaluated 2024-06-09.

Conditions:
Monogenic diabetes. Identifiers: Orphanet 183625, MedGen C3888631, MONDO:0015967.
Maturity-onset diabetes of the young type 3. Also called: MODY, type III; MODY type 3. Identifiers: Orphanet 552, MedGen C1838100, MeSH C563933, MONDO:0010894, OMIM 600496. Disease mechanism: loss of function.

Allele frequency attached by ClinVar (database versions not stated): ExAC 0.00001; gnomAD exomes below 0.00001.
gnomAD v4.1: 3 of 1,614,208 alleles (0.00019%); highest among the groups gnomAD compares: Admixed American, 0.0017%; no homozygotes.

Submissions (5):

ClinGen Monogenic Diabetes Variant Curation Expert Panel
Classification: Pathogenic for Monogenic diabetes. Last evaluated: 2024-06-09. Review status: reviewed by expert panel. Criteria: ClinGen Diabetes ACMG Specifications HNF1A V2.1.0. Collection method: curation. Allele origin: germline. Inheritance: Autosomal dominant inheritance.
Comment: The c.347C>T variant in the HNF1 homeobox A gene, HNF1A, causes an amino acid change of alanine to valine at codon 116 (p.(Ala116Val)) of NM_000545.8. This variant is located within a conserved region of the DNA binding domain (codons 107-174 and 201-280) of HNF1A, which is defined as critical for the protein’s function by the ClinGen MDEP (PM1_Supporting). This variant is predicted to be deleterious by computational evidence, with a REVEL score of 0.951, which is greater than the MDEP VCEP threshold of 0.70 (PP3). While studies exploring the effect of this variant on protein function have been performed, these studies do not meet the criteria set forth by the MDEP for the application of PS3 or BS3 as the transactivation values were not consistently within or outside the cutoffs for PS3_Moderate or BS3_Supporting (PMID: 32910913). This variant has an incomputable gnomAD v2.1.1 Popmax filtering allele frequency due to 0 copies in the European non-Finnish subpopulation and 1 copy in the East Asian subpopulation, thereby meeting the ClinGen MDEP threshold criteria for PM2_Supporting (ENF Popmax FAF <= 0.000003 and <= 2 copies in ENF and <=1 copy in any other subpopulation) (PM2_Supporting). This variant was identified in at least 20 unrelated individuals with non- autoimmune and non-absolute/near-absolute insulin-deficient diabetes (PS4; PMID: 36257325, 31658956, 12453976, internal lab contributors). At least 4 of these individuals had a clinical history highly specific for HNF1A-monogenic diabetes (MODY probability calculator result >50%, negative genetic testing for HNF4A, and negative antibodies or SU-sensitivity) (PP4_Moderate; internal lab contributors). This variant segregated with diabetes, with 24 informative meioses in multiple families (PP1_Strong; PMID: 12453976, internal lab contributors). In summary, c.347C>T meets the criteria to be classified as pathogenic for monogenic diabetes. ACMG/AMP criteria applied, as specified by the ClinGen MDEP (specification version 2.1.1, approved 8/11/2023): PP1_Strong, PS4, PP4_Moderate, PP3, PM1_Supporting, PM2_Supporting.

Labcorp Genetics (formerly Invitae), Labcorp
Classification: Pathogenic. Last evaluated: 2024-04-27. Review status: criteria provided, single submitter. Criteria: Invitae Variant Classification Sherloc (09022015). Collection method: clinical testing. Allele origin: germline. Not counted in ClinVar's aggregate classification.
Comment: This sequence change replaces alanine, which is neutral and non-polar, with valine, which is neutral and non-polar, at codon 116 of the HNF1A protein (p.Ala116Val). This variant is present in population databases (rs752886203, gnomAD 0.006%). This missense change has been observed in individuals with early onset diabetes and/or maturity-onset diabetes of the young (MODY) (PMID: 11315828, 12453976, 31658956, 33046911, 34746319, 36257325; Invitae). It has also been observed to segregate with disease in related individuals. ClinVar contains an entry for this variant (Variation ID: 1700671). Advanced modeling of protein sequence and biophysical properties (such as structural, functional, and spatial information, amino acid conservation, physicochemical variation, residue mobility, and thermodynamic stability) has been performed at Invitae for this missense variant, however the output from this modeling did not meet the statistical confidence thresholds required to predict the impact of this variant on HNF1A protein function. Experimental studies have shown that this missense change affects HNF1A function (PMID: 32910913). For these reasons, this variant has been classified as Pathogenic.

Geisinger Clinic, Geisinger Health System
Classification: Pathogenic for Maturity-onset diabetes of the young type 3. Last evaluated: 2022-08-02. Review status: criteria provided, single submitter. Criteria: ACMG Guidelines, 2015. Collection method: research. Allele origin: germline. Inheritance: Autosomal dominant inheritance. Affected: yes. Observed: 1 variant allele. Not counted in ClinVar's aggregate classification.
Comment: PM2, PP1_Strong, PS4, PM5_Supporting, PP4

Victorian Clinical Genetics Services, Murdoch Childrens Research Institute
Classification: Pathogenic for Maturity-onset diabetes of the young type 3. Last evaluated: 2020-05-26. Review status: criteria provided, single submitter. Criteria: ACMG Guidelines, 2015. Collection method: clinical testing. Allele origin: germline. Affected: yes. Not counted in ClinVar's aggregate classification.
Comment: Based on the classification scheme VCGS_Germline_v1.1.1, this variant is classified as 5 - Pathogenic. Following criteria are met: 0102 - Loss-of-function is a known mechanism of disease for this gene. (N) 0108 - This gene is known to be associated with both recessive and dominant disease (OMIM). (N) 0200 - Variant is predicted to result in a missense amino acid change from an alanine to a valine (exon 2). (N) 0251 - Variant is heterozygous. (N) 0302 - Variant is present in gnomAD <0.001 for a dominant condition (1 heterozygote, 0 homozygotes). (P) 0501 - Missense variant consistently predicted to be damaging by multiple in silico tools and is highly conserved with a minor amino acid change. (P) 0600 - Variant is located in an annotated domain or motif (HNF1 N terminal domain; PDB). (N) 0704 - Comparable variant has low previous evidence for pathogenicity. A different variant in the same codon resulting in a change to a threonine has been shown to cause MODY (PMID: 18003757). (P) 0801 - Strong previous evidence of pathogenicity in unrelated individuals. This variant has been previously reported as pathogenic in multiple patients with MODY (PMID: 12882939, 16917892, 27059371, 31658956). (P) 1007 - No published functional evidence has been identified for this variant. (N) 1208 - Inheritance information for this variant is not currently available. (N) Legend: (P) - Pathogenic, (N) - Neutral, (B) - Benign

Cardiovascular Genetics Laboratory, PathWest Laboratory Medicine WA - Fiona Stanley Hospital
Classification: Pathogenic for Maturity-onset diabetes of the young type 3. Last evaluated: 2025-02-20. Review status: no assertion criteria provided. Criteria: ACMG Guidelines, 2015. Collection method: clinical testing. Allele origin: germline. Affected: yes. Not counted in ClinVar's aggregate classification.

Literature cited by the submitters: PubMed 11315828 (cited by Labcorp Genetics (formerly Invitae), Labcorp); PubMed 12453976 (cited by Labcorp Genetics (formerly Invitae), Labcorp); PubMed 31658956 (cited by Labcorp Genetics (formerly Invitae), Labcorp and Victorian Clinical Genetics Services, Murdoch Childrens Research Institute); PubMed 33046911 (cited by Labcorp Genetics (formerly Invitae), Labcorp); PubMed 34746319 (cited by Labcorp Genetics (formerly Invitae), Labcorp); PubMed 36257325 (cited by Labcorp Genetics (formerly Invitae), Labcorp and Geisinger Clinic, Geisinger Health System); PubMed 32910913 (cited by Labcorp Genetics (formerly Invitae), Labcorp); PubMed 12882939 (cited by Victorian Clinical Genetics Services, Murdoch Childrens Research Institute); PubMed 16917892 (cited by Victorian Clinical Genetics Services, Murdoch Childrens Research Institute); PubMed 18003757 (cited by Victorian Clinical Genetics Services, Murdoch Childrens Research Institute); PubMed 27059371 (cited by Victorian Clinical Genetics Services, Murdoch Childrens Research Institute).